The following is an entry in ClinVar:

ClinVar aggregate classification (germline): Uncertain significance (1 of 4 stars; one submission).

Conditions:
CEP290-related disorder. Also called: CEP290-related condition; CEP290-related disorders. Identifiers: MedGen CN239314.

Submission:

PreventionGenetics, part of Exact Sciences
Classification: Uncertain significance for CEP290-related condition. Last evaluated: 2025-06-24. Review status: criteria provided, single submitter. Criteria: ACMG Guidelines, 2015. Collection method: clinical testing. Allele origin: germline.
Comment: The CEP290 c.4111_4113delGAA variant is predicted to result in an in-frame deletion (p.Glu1371del). To our knowledge, this variant has not been reported in the literature or in a large population database (gnomAD), indicating this variant is rare. At this time, the clinical significance of this variant is uncertain due to the absence of conclusive functional and genetic evidence.

NM_025114.4(CEP290):c.4108GAA[1] (p.Glu1371del)

Gene: CEP290 (centrosomal protein 290; minus strand). Cytogenetic location: 12q21.32.
Variant type: Microsatellite.
Coding change: c.4108GAA[1] on transcript NM_025114.4 (MANE Select); one copy of the 3-base unit GAA starting at c.4108; the reference has two copies in a row; one copy, 3 bases deleted.
Protein change: p.Glu1371del; deletes glutamic acid 1371.
Molecular consequence: inframe deletion.
Genome position (GRCh38, 1-based): chr12:88,087,861-88,087,863, TTC deleted on the plus strand (GAA on the coding strand, the reverse complement: CEP290 is on the minus strand); deleting any 3 consecutive bases within chr12:88,087,861-88,087,868 gives the same sequence; the position shown is the placement nearest the transcript's 3' end. VCF-style (leftmost placement, unchanged base first): chr12-88087860-TTTC-T. GRCh37 (hg19) VCF-style: chr12-88481637-TTTC-T.
Other names: short protein forms E1371del.
Identifiers: ClinVar variation 5000990 (VCV005000990.1).
Genomic context (GRCh38, chr12:88,087,860, plus strand): 5'-CTTCTTCAAGACTGCTGATTGTACGTTCATATTCAGAAATTATGTTATTCAAATATTTTA[TTTC>T]TTCTTTATCCTTGACTAATTCCCGATTTAGTTTAAGTTCTTGAAGACGAAGTTCTTCTAT-3'